The following is an entry in ClinVar:

NM_014633.5(CTR9):c.3449A>G (p.Glu1150Gly)

Gene: CTR9 (CTR9 component of Paf1/RNA polymerase II complex; plus strand). Cytogenetic location: 11p15.4.
Variant type: single nucleotide variant.
Coding change: c.3449A>G on transcript NM_014633.5 (MANE Select); coding-DNA position 3449, A replaced by G.
Protein change: p.Glu1150Gly; replaces glutamic acid 1150 with glycine.
Molecular consequence: missense variant.
Genome position (GRCh38, 1-based): chr11:10,779,032, A>G. VCF-style: chr11-10779032-A-G. GRCh37 (hg19) VCF-style: chr11-10800579-A-G.
Other names: c.3377A>G, p.Glu1126Gly (NM_001346279.2); short protein forms E1126G, E1150G.
Identifiers: ClinVar variation 1165366 (VCV001165366.29), dbSNP rs35023148, ClinGen allele CA5885592.

ClinVar aggregate classification (germline): Benign/Likely benign. Review status: criteria provided, multiple submitters, no conflicts (2 of 4 stars). 5 submissions from 5 submitters: Benign (1); Likely benign (3). 1 of the submissions does not count toward it. Last evaluated 2026-01-11.

Conditions:
CTR9-related disorder. Also called: CTR9-related condition.

Allele frequency attached by ClinVar (database versions not stated): ESP Exome Variant Server 0.00092; gnomAD exomes 0.00107 and 0.00147; ExAC 0.00129; gnomAD 0.00136 and 0.00137; TOPMed 0.00154; 1000 Genomes Project 0.00160; 1000 Genomes Project 30x 0.00172.
gnomAD v4.1: 1,883 of 1,614,166 alleles (0.12%); highest among the groups gnomAD compares: Middle Eastern, 2%; 9 homozygotes.

Submissions (5):

Labcorp Genetics (formerly Invitae), Labcorp
Classification: Benign. Last evaluated: 2026-01-11. Review status: criteria provided, single submitter. Criteria: Invitae Variant Classification Sherloc (09022015). Collection method: clinical testing. Allele origin: germline.

CeGaT Center for Human Genetics Tuebingen
Classification: Likely benign. Last evaluated: 2025-10-01. Review status: criteria provided, single submitter. Criteria: CeGaT Center For Human Genetics Tuebingen Variant Classification Criteria Version 2. Collection method: clinical testing. Allele origin: germline. Affected: yes. Observed: 2 variant alleles.
Comment: CTR9: BP4, BS1

GeneDx
Classification: Likely benign. Last evaluated: 2025-03-11. Review status: criteria provided, single submitter. Criteria: GeneDx Variant Classification Process June 2021. Collection method: clinical testing. Allele origin: germline. Affected: yes.
Comment: See Variant Classification Assertion Criteria.

Breakthrough Genomics
Classification: Likely benign. Review status: criteria provided, single submitter. Criteria: ACMG Guidelines, 2015. Collection method: not provided. Allele origin: germline. Inheritance: Unknown mechanism. Affected: yes.

PreventionGenetics, part of Exact Sciences
Classification: Likely benign for CTR9-related condition. Last evaluated: 2023-02-27. Review status: no assertion criteria provided. Collection method: clinical testing. Allele origin: germline. Not counted in ClinVar's aggregate classification.
Comment: This variant is classified as likely benign based on ACMG/AMP sequence variant interpretation guidelines (Richards et al. 2015 PMID: 25741868, with internal and published modifications).